The following is an entry in ClinVar:

NM_000145.4(FSHR):c.671A>T (p.Asp224Val)

Gene: FSHR (follicle stimulating hormone receptor; minus strand). Cytogenetic location: 2p16.3.
Variant type: single nucleotide variant.
Coding change: c.671A>T on transcript NM_000145.4 (MANE Select); coding-DNA position 671, A replaced by T.
Protein change: p.Asp224Val; replaces aspartic acid 224 with valine.
Molecular consequence: missense variant.
Genome position (GRCh38, 1-based): chr2:48,968,881, T>A on the plus strand (A>T on the coding strand, the complement: FSHR is on the minus strand). VCF-style: chr2-48968881-T-A. GRCh37 (hg19) VCF-style: chr2-49196020-T-A.
Other names: c.593A>T, p.Asp198Val (NM_181446.3); short protein forms D198V, D224V.
Identifiers: ClinVar variation 56034 (VCV000056034.2), dbSNP rs386833515, ClinGen allele CA144130.

ClinVar aggregate classification (germline): Likely pathogenic (0 of 4 stars; one submission).

Conditions:
Ovarian dysgenesis 1 (ODG1). Also called: Gonadal dysgenesis XX type deafness; OVARIAN DYSGENESIS, HYPERGONADOTROPIC, AUTOSOMAL RECESSIVE; OVARIAN DYSGENESIS, HYPERGONADOTROPIC, WITH NORMAL KARYOTYPE; OVARIAN FAILURE, HYPERGONADOTROPIC; GONADAL DYSGENESIS, XX TYPE. Identifiers: Orphanet 243, MedGen C0949595, MONDO:0024463, OMIM 233300.

Submission:

Juha Muilu Group; Institute for Molecular Medicine Finland (FIMM)
Classification: Likely pathogenic for Ovarian dysgenesis 1. Review status: no assertion criteria provided. Collection method: not provided. Allele origin: unknown.
Comment: FinDis database variant: This variant was not found or characterized by our laboratory, data were collected from public sources: see reference
ClinVar note: Converted during submission from probable-pathogenic to Likely pathogenic.